The following is an entry in ClinVar:

NM_001943.5(DSG2):c.829-19_829-18del

Gene: DSG2 (desmoglein 2; plus strand). Cytogenetic location: 18q12.1.
Variant type: Deletion.
Coding change: c.829-19_829-18del on transcript NM_001943.5 (MANE Select); 19 bases into the intron before coding-DNA position 829 through 18 bases into the intron before coding-DNA position 829, 2 bases deleted (AT; older notation c.829-19_829-18delAT).
Molecular consequence: intron variant.
Genome position (GRCh38, 1-based): chr18:31,524,684-31,524,685, AT deleted. VCF-style (leftmost placement, unchanged base first): chr18-31524683-CAT-C. GRCh37 (hg19) VCF-style: chr18-29104646-CAT-C.
Other names: c.829-19_829-18del (LRG_397t1); c.829-19_829-18delAT (NM_001943.5).
Identifiers: ClinVar variation 516896 (VCV000516896.12), dbSNP rs111241096, ClinGen allele CA050177.

ClinVar aggregate classification (germline): Benign/Likely benign. Review status: criteria provided, multiple submitters, no conflicts (2 of 4 stars). 5 submissions from 5 submitters: Benign (1); Likely benign (4). Last evaluated 2026-01-11.

Conditions:
Arrhythmogenic right ventricular dysplasia 10. Also called: Arrhythmogenic Right Ventricular Dysplasia/Cardiomyopathy10; ARRHYTHMOGENIC RIGHT VENTRICULAR DYSPLASIA, FAMILIAL, 10; Arrhythmogenic right ventricular dysplasia/cardiomyopathy, type 10. Identifiers: MedGen C1857777, MONDO:0012434, OMIM 610193.

Allele frequency attached by ClinVar (database versions not stated): gnomAD exomes 0.00004 and 0.00006; ExAC 0.00008; ESP Exome Variant Server 0.00026; gnomAD 0.00030 and 0.00034; 1000 Genomes Project 30x 0.00031; TOPMed 0.00037.

Submissions (5):

Labcorp Genetics (formerly Invitae), Labcorp
Classification: Likely benign for Arrhythmogenic right ventricular dysplasia 10. Last evaluated: 2026-01-11. Review status: criteria provided, single submitter. Criteria: Invitae Variant Classification Sherloc (09022015). Collection method: clinical testing. Allele origin: germline.

Women's Health and Genetics/Laboratory Corporation of America, LabCorp
Classification: Benign. Last evaluated: 2025-03-17. Review status: criteria provided, single submitter. Criteria: LabCorp Variant Classification Summary - May 2015. Collection method: clinical testing. Allele origin: germline.
Comment: Variant summary: DSG2 c.829-19_829-18delAT alters a non-conserved nucleotide located at a position not widely known to affect splicing. Consensus agreement among computation tools predict no significant impact on normal splicing. However, these predictions have yet to be confirmed by functional studies. The variant allele was found at a frequency of 6e-05 in 248912 control chromosomes, predominantly at a frequency of 0.00071 within the African or African-American subpopulation in the gnomAD database. The observed variant frequency within African or African-American control individuals in the gnomAD database is approximately 2.84 fold of the estimated maximal expected allele frequency for a pathogenic variant in DSG2 causing Arrhythmogenic Right Ventricular Dysplasia/Cardiomyopathy phenotype (0.00025). To our knowledge, no occurrence of c.829-19_829-18delAT in individuals affected with Arrhythmogenic Right Ventricular Dysplasia/Cardiomyopathy and no experimental evidence demonstrating its impact on protein function have been reported. ClinVar contains an entry for this variant (Variation ID: 516896). Based on the evidence outlined above, the variant was classified as benign.

ARUP Laboratories, Molecular Genetics and Genomics, ARUP Laboratories
Classification: Likely benign. Last evaluated: 2023-12-07. Review status: criteria provided, single submitter. Criteria: ARUP Molecular Germline Variant Investigation Process 2024. Collection method: clinical testing. Allele origin: germline.

Blueprint Genetics
Classification: Likely benign. Last evaluated: 2022-10-31. Review status: criteria provided, single submitter. Criteria: ACMG Guidelines, 2015. Collection method: clinical testing. Allele origin: germline.

GeneDx
Classification: Likely benign. Last evaluated: 2017-12-28. Review status: criteria provided, single submitter. Criteria: GeneDx Variant Classification (06012015). Collection method: clinical testing. Allele origin: germline. Affected: yes.
Comment: This variant is considered likely benign or benign based on one or more of the following criteria: it is a conservative change, it occurs at a poorly conserved position in the protein, it is predicted to be benign by multiple in silico algorithms, and/or has population frequency not consistent with disease.